The following is an entry in ClinVar:

ClinVar aggregate classification (germline): Uncertain significance (1 of 4 stars; one submission).

Conditions:
Cardiovascular phenotype. Identifiers: MedGen CN230736.

Submission:

Ambry Genetics
Classification: Uncertain significance for Cardiovascular phenotype. Last evaluated: 2023-02-03. Review status: criteria provided, single submitter. Criteria: Ambry Variant Classification Scheme 2023. Collection method: clinical testing. Allele origin: germline.
Comment: The p.F622L variant (also known as c.1866C>G), located in coding exon 8 of the RBM20 gene, results from a C to G substitution at nucleotide position 1866. The phenylalanine at codon 622 is replaced by leucine, an amino acid with highly similar properties. This amino acid position is conserved. In addition, this alteration is predicted to be tolerated by in silico analysis. Since supporting evidence is limited at this time, the clinical significance of this alteration remains unclear.

NM_001134363.3(RBM20):c.1866C>G (p.Phe622Leu)

Gene: RBM20 (RNA binding motif protein 20; plus strand). Cytogenetic location: 10q25.2.
Variant type: single nucleotide variant.
Coding change: c.1866C>G on transcript NM_001134363.3 (MANE Select); coding-DNA position 1866, C replaced by G.
Protein change: p.Phe622Leu; replaces phenylalanine 622 with leucine.
Molecular consequence: missense variant.
Genome position (GRCh38, 1-based): chr10:110,810,448, C>G. VCF-style: chr10-110810448-C-G. GRCh37 (hg19) VCF-style: chr10-112570206-C-G.
Other names: short protein forms F622L.
Identifiers: ClinVar variation 2449396 (VCV002449396.2), dbSNP rs1844750274, ClinGen allele CA378369337.